The following is an entry in ClinVar:

ClinVar aggregate classification (germline): Uncertain significance. Review status: criteria provided, multiple submitters, no conflicts (2 of 4 stars). 3 submissions from 3 submitters: Uncertain significance (3). Last evaluated 2026-08-02.

Conditions:
Distal myopathy with posterior leg and anterior hand involvement. Also called: WILLIAMS DISTAL MYOPATHY. Identifiers: Orphanet 63273, MedGen C3279722, MONDO:0013550, OMIM 614065.
Dilated Cardiomyopathy, Dominant.
Myofibrillar myopathy 5. Also called: Filaminopathy (type); FILAMINOPATHY, AUTOSOMAL DOMINANT. Identifiers: Orphanet 171445, MedGen C1836050, MONDO:0012289, OMIM 609524.
Hypertrophic cardiomyopathy 26. Also called: Cardiomyopathy, familial hypertrophic, 26. Identifiers: Orphanet 75249, MedGen C4310749, MONDO:0014883, OMIM 617047.
FLNC-related disorder. Also called: FLNC-related condition; FLNC-related disorders.

Allele frequency attached by ClinVar (database versions not stated): TOPMed below 0.00001.

Submissions (3):

PreventionGenetics, part of Exact Sciences
Classification: Uncertain significance for FLNC-related condition. Last evaluated: 2026-08-02. Review status: criteria provided, single submitter. Criteria: ACMG Guidelines, 2015. Collection method: clinical testing. Allele origin: germline.
Comment: The FLNC c.3238C>T variant is predicted to result in the amino acid substitution p.Pro1080Ser. To our knowledge, this variant has not been reported in the literature or in a large population database (gnomAD), indicating this variant is rare. At this time, the clinical significance of this variant is uncertain due to the absence of conclusive functional and genetic evidence.

Labcorp Genetics (formerly Invitae), Labcorp
Classification: Uncertain significance for Distal myopathy with posterior leg and anterior hand involvement; Myofibrillar myopathy 5; Hypertrophic cardiomyopathy 26. Last evaluated: 2021-09-01. Review status: criteria provided, single submitter. Criteria: Invitae Variant Classification Sherloc (09022015). Collection method: clinical testing. Allele origin: germline.

Genomic Medicine Lab, University of California San Francisco
Classification: Uncertain significance for Distal myopathy with posterior leg and anterior hand involvement. Last evaluated: 2019-09-12. Review status: criteria provided, single submitter. Criteria: ACMG Guidelines, 2015. Collection method: clinical testing. Allele origin: maternal. Inheritance: Autosomal dominant inheritance. Affected: yes. Study: CSER-P3EGS.

NM_001458.5(FLNC):c.3238C>T (p.Pro1080Ser)

Gene: FLNC (filamin C; plus strand). Cytogenetic location: 7q32.1.
Variant type: single nucleotide variant.
Coding change: c.3238C>T on transcript NM_001458.5 (MANE Select); coding-DNA position 3238, C replaced by T.
Protein change: p.Pro1080Ser; replaces proline 1080 with serine.
Molecular consequence: missense variant.
Genome position (GRCh38, 1-based): chr7:128,844,703, C>T. VCF-style: chr7-128844703-C-T. GRCh37 (hg19) VCF-style: chr7-128484757-C-T.
Other names: c.3238C>T, p.Pro1080Ser (NM_001127487.2); short protein forms P1080S.
Identifiers: ClinVar variation 936072 (VCV000936072.8), dbSNP rs950648783, ClinGen allele CA166178281.